The following is an entry in ClinVar:

NM_022835.3(PLEKHG2):c.3814C>A (p.Pro1272Thr)

Gene: PLEKHG2 (pleckstrin homology and RhoGEF domain containing G2; plus strand). Cytogenetic location: 19q13.2.
Variant type: single nucleotide variant.
Coding change: c.3814C>A on transcript NM_022835.3 (MANE Select); coding-DNA position 3814, C replaced by A.
Protein change: p.Pro1272Thr; replaces proline 1272 with threonine.
Molecular consequence: missense variant. On other transcripts: intron variant (2).
Genome position (GRCh38, 1-based): chr19:39,424,947, C>A. VCF-style: chr19-39424947-C-A. GRCh37 (hg19) VCF-style: chr19-39915587-C-A.
Other names: c.3572+65C>A (NM_001351693.2); c.1678-291C>A (NM_001351694.2); short protein forms P1272T.
Identifiers: ClinVar variation 1913677 (VCV001913677.5), dbSNP rs765789886, ClinGen allele CA405809190.
Genomic context (GRCh38, chr19:39,424,947, plus strand): 5'-GAGTCTTCAGACTTGACGCCACCTCATAGTCCCCCACCTTCCAGCCGTCAGCTCCTGGGC[C>A]CCAATGCAGCTGCCCTCTCCAGATACCTGGCAGCCTCATATATCAGCCAGAGCCTGGCTC-3'
Protein context (NP_073746.2, residues 1262-1282): PPPSSRQLLG[Pro1272Thr]NAAALSRYLA

ClinVar aggregate classification (germline): Uncertain significance (1 of 4 stars; one submission).

Submission:

Labcorp Genetics (formerly Invitae), Labcorp
Classification: Uncertain significance. Last evaluated: 2022-07-21. Review status: criteria provided, single submitter. Criteria: Invitae Variant Classification Sherloc (09022015). Collection method: clinical testing. Allele origin: germline.
Comment: In summary, the available evidence is currently insufficient to determine the role of this variant in disease. Therefore, it has been classified as a Variant of Uncertain Significance. Algorithms developed to predict the effect of missense changes on protein structure and function (SIFT, PolyPhen-2, Align-GVGD) all suggest that this variant is likely to be disruptive. This variant has not been reported in the literature in individuals affected with PLEKHG2-related conditions. This variant is not present in population databases (gnomAD no frequency). This sequence change replaces proline, which is neutral and non-polar, with threonine, which is neutral and polar, at codon 1272 of the PLEKHG2 protein (p.Pro1272Thr).